The following is an entry in ClinVar:

ClinVar aggregate classification (germline): Uncertain significance. Review status: criteria provided, multiple submitters, no conflicts (2 of 4 stars). 4 submissions from 4 submitters: Uncertain significance (4). Last evaluated 2025-11-18.

Conditions:
Hereditary cancer-predisposing syndrome. Also called: Neoplastic Syndromes, Hereditary; Hereditary Cancer Syndrome; Tumor predisposition; Hereditary neoplastic syndrome. Identifiers: Orphanet 140162, MedGen C0027672, MeSH D009386, MONDO:0015356.
Ataxia-telangiectasia syndrome (AT). Also called: LOUIS-BAR SYNDROME; Cerebello-oculocutaneous telangiectasia; Immunodeficiency with ataxia telangiectasia; Ataxia-telangiectasia, complementation group D; AT, COMPLEMENTATION GROUP C; Ataxia-telangiectasia, complementation group E. Identifiers: Orphanet 100, MedGen C0004135, MONDO:0008840, OMIM 208900.

Allele frequency attached by ClinVar (database versions not stated): gnomAD exomes below 0.00001.
gnomAD v4.1: 4 of 1,614,110 alleles (0.00025%); highest among the groups gnomAD compares: Non-Finnish European, 0.00034%; no homozygotes.

Submissions (4):

Ambry Genetics
Classification: Uncertain significance for Hereditary cancer-predisposing syndrome. Last evaluated: 2025-11-18. Review status: criteria provided, single submitter. Criteria: Ambry Variant Classification Scheme 2023. Collection method: clinical testing. Allele origin: germline.
Comment: The p.F2732V variant (also known as c.8194T>G), located in coding exon 55 of the ATM gene, results from a T to G substitution at nucleotide position 8194. The phenylalanine at codon 2732 is replaced by valine, an amino acid with highly similar properties. In an assay testing ATM function, this variant showed a functionally indeterminant result (Lee KS et al. Cell, 2025 Sep;188:5081-5099.e27). This amino acid position is highly conserved in available vertebrate species. In addition, this alteration is predicted to be deleterious by in silico analysis. Based on the available evidence, the clinical significance of this variant remains unclear.

Labcorp Genetics (formerly Invitae), Labcorp
Classification: Uncertain significance for Ataxia-telangiectasia syndrome. Last evaluated: 2024-02-20. Review status: criteria provided, single submitter. Criteria: Invitae Variant Classification Sherloc (09022015). Collection method: clinical testing. Allele origin: germline.
Comment: This sequence change replaces phenylalanine, which is neutral and non-polar, with valine, which is neutral and non-polar, at codon 2732 of the ATM protein (p.Phe2732Val). This variant is not present in population databases (gnomAD no frequency). This variant has not been reported in the literature in individuals affected with ATM-related conditions. ClinVar contains an entry for this variant (Variation ID: 422531). An algorithm developed to predict the effect of missense changes on protein structure and function (PolyPhen-2) suggests that this variant is likely to be disruptive. In summary, the available evidence is currently insufficient to determine the role of this variant in disease. Therefore, it has been classified as a Variant of Uncertain Significance.

Color Diagnostics, LLC DBA Color Health
Classification: Uncertain significance for Hereditary cancer-predisposing syndrome. Last evaluated: 2022-11-16. Review status: criteria provided, single submitter. Criteria: ACMG Guidelines, 2015. Collection method: clinical testing. Allele origin: germline.
Comment: This missense variant replaces phenylalanine with valine at codon 2732 of the ATM protein. Computational prediction suggests that this variant may have deleterious impact on protein structure and function (internally defined REVEL score threshold >= 0.7, PMID: 27666373). To our knowledge, functional studies have not been reported for this variant. This variant has not been reported in individuals affected with ATM-related disorders in the literature. This variant has not been identified in the general population by the Genome Aggregation Database (gnomAD). The available evidence is insufficient to determine the role of this variant in disease conclusively. Therefore, this variant is classified as a Variant of Uncertain Significance.

GeneDx
Classification: Uncertain significance. Last evaluated: 2019-10-14. Review status: criteria provided, single submitter. Criteria: GeneDx Variant Classification Process June 2021. Collection method: clinical testing. Allele origin: germline. Affected: yes.
Comment: Not observed in large population cohorts (Lek 2016); In silico analysis, which includes protein predictors and evolutionary conservation, supports a deleterious effect; Observed in an individual with breast cancer (Decker 2017); This variant is associated with the following publications: (PMID: 23585524, 28779002)

Literature cited by the submitters: PubMed 28779002 (cited by Ambry Genetics); PubMed 40580951 (cited by Ambry Genetics).

NM_000051.4(ATM):c.8194T>G (p.Phe2732Val)

Genes: ATM (ATM serine/threonine kinase; plus strand), C11orf65 (chromosome 11 open reading frame 65; minus strand). Cytogenetic location: 11q22.3.
Variant type: single nucleotide variant.
Coding change: c.8194T>G on transcript NM_000051.4 (MANE Select); coding-DNA position 8194, T replaced by G.
Protein change: p.Phe2732Val; replaces phenylalanine 2732 with valine.
Molecular consequence: missense variant. On other transcripts: intron variant (2).
Genome position (GRCh38, 1-based): chr11:108,335,887, T>G. VCF-style: chr11-108335887-T-G. GRCh37 (hg19) VCF-style: chr11-108206614-T-G.
Other names: c.8194T>G, p.Phe2732Val (NM_001351834.2); c.641-26816A>C (NM_001330368.2); c.695-595A>C (NM_001351110.2); short protein forms F2732V.
Identifiers: ClinVar variation 422531 (VCV000422531.17), dbSNP rs876659619, ClinGen allele CA16619250.
Genomic context (GRCh38, chr11:108,335,887, plus strand): 5'-TGCTTAATTATTCTGAAGGGCCGTGATGACCTGAGACAAGATGCTGTCATGCAACAGGTC[T>G]TCCAGATGTGTAATACATTACTGCAGAGAAACACGGAAACTAGGAAGAGGAAATTAACTA-3'
Protein context (NP_000042.3, residues 2722-2742): LRQDAVMQQV[Phe2732Val]QMCNTLLQRN